The following is an entry in ClinVar:

NM_053013.4(ENO3):c.412G>C (p.Ala138Pro)

Gene: ENO3 (enolase 3; plus strand). Cytogenetic location: 17p13.2.
Variant type: single nucleotide variant.
Coding change: c.412G>C on transcript NM_053013.4 (MANE Select); coding-DNA position 412, G replaced by C.
Protein change: p.Ala138Pro; replaces alanine 138 with proline.
Molecular consequence: missense variant.
Genome position (GRCh38, 1-based): chr17:4,953,813, G>C. VCF-style: chr17-4953813-G-C. GRCh37 (hg19) VCF-style: chr17-4857108-G-C.
Other names: c.283G>C, p.Ala95Pro (NM_001193503.2); c.412G>C, p.Ala138Pro (NM_001374523.1, NM_001976.5); c.439G>C, p.Ala147Pro (NM_001374524.1); short protein forms A138P, A147P, A95P.
Identifiers: ClinVar variation 2182869 (VCV002182869.2), dbSNP rs202030238, ClinGen allele CA287173838.
Genomic context (GRCh38, chr17:4,953,813, plus strand): 5'-GTGTGTAAGGCGGGAGCAGCTGAGAAGGGGGTCCCCCTGTACCGCCACATCGCAGATCTC[G>C]CTGGGAACCCTGACCTCATACTCCCAGTGCCAGTGAGTGCAGCTACCCGCCCTTCCCAGA-3'
Protein context (NP_443739.3, residues 128-148): VPLYRHIADL[Ala138Pro]GNPDLILPVP

ClinVar aggregate classification (germline): Uncertain significance (1 of 4 stars; one submission).

Conditions:
Glycogen storage disease due to muscle beta-enolase deficiency (GSD13). Also called: Glycogen Storage Disease Type XIII; ENOLASE 3 DEFICIENCY; ENOLASE-BETA DEFICIENCY; GSD XIII. Identifiers: Orphanet 99849, MedGen C2752027, MONDO:0013046, OMIM 612932.

gnomAD v4.1: 9 of 1,614,024 alleles (0.00056%); highest among the groups gnomAD compares: Admixed American, 0.005%; no homozygotes.

Submission:

Labcorp Genetics (formerly Invitae), Labcorp
Classification: Uncertain significance for Glycogen storage disease due to muscle beta-enolase deficiency. Last evaluated: 2023-11-27. Review status: criteria provided, single submitter. Criteria: Invitae Variant Classification Sherloc (09022015). Collection method: clinical testing. Allele origin: germline.
Comment: This sequence change replaces alanine, which is neutral and non-polar, with proline, which is neutral and non-polar, at codon 138 of the ENO3 protein (p.Ala138Pro). This variant is present in population databases (no rsID available, gnomAD 0.0009%). This variant has not been reported in the literature in individuals affected with ENO3-related conditions. ClinVar contains an entry for this variant (Variation ID: 2182869). An algorithm developed to predict the effect of missense changes on protein structure and function (PolyPhen-2) suggests that this variant is likely to be disruptive. In summary, the available evidence is currently insufficient to determine the role of this variant in disease. Therefore, it has been classified as a Variant of Uncertain Significance.